The following is an entry in ClinVar:

ClinVar aggregate classification (germline): Likely pathogenic (1 of 4 stars; one submission).

Conditions:
Neurofibromatosis, type 1 (NF1). Also called: Neurofibromatosis, type I; VON RECKLINGHAUSEN DISEASE; NEUROFIBROMATOSIS, TYPE I, SOMATIC; Peripheral type neurofibromatosis. Identifiers: Orphanet 636, MedGen C0027831, MONDO:0018975, OMIM 162200. Disease mechanism: loss of function.

Submission:

Juno Genomics, Hangzhou Juno Genomics, Inc
Classification: Likely pathogenic for Neurofibromatosis, type 1. Review status: criteria provided, single submitter. Criteria: ACMG Guidelines, 2015. Collection method: clinical testing. Allele origin: germline. Affected: yes.
Comment: Absent from controls (or at extremely low frequency if recessive) in Genome Aggregation Database, Exome Sequencing Project, 1000 Genomes Project, or Exome Aggregation Consortium.;Multiple lines of computational evidence support a deleterious effect on the gene or gene product (conservation, evolutionary, splicing impact, etc).;Missense variant in a gene that has a low rate of benign missense variation and where missense variants are a common mechanism of disease.;The prevalence of the variant in affected individuals is significantly increased compared to the prevalence in controls.;Patient's phenotype or family history is highly specific for a disease with a single genetic etiology.;Assumed de novo, but without confirmation of paternity and maternity.

NM_001042492.3(NF1):c.6638T>G (p.Met2213Arg)

Gene: NF1 (neurofibromin 1; plus strand). Cytogenetic location: 17q11.2.
Variant type: single nucleotide variant.
Coding change: c.6638T>G on transcript NM_001042492.3 (MANE Select); coding-DNA position 6638, T replaced by G.
Protein change: p.Met2213Arg; replaces methionine 2213 with arginine.
Molecular consequence: missense variant.
Genome position (GRCh38, 1-based): chr17:31,337,578, T>G. VCF-style: chr17-31337578-T-G. GRCh37 (hg19) VCF-style: chr17-29664596-T-G.
Other names: c.6575T>G, p.Met2192Arg (NM_000267.4); short protein forms M2192R, M2213R.
Identifiers: ClinVar variation 3382044 (VCV003382044.3).